The following is an entry in ClinVar:

ClinVar aggregate classification (germline): Conflicting classifications of pathogenicity. Review status: criteria provided, conflicting classifications (1 of 4 stars). 2 submissions from 2 submitters: Likely pathogenic (1); Uncertain significance (1). Last evaluated 2021-05-08.

Conditions:
Arthrogryposis, distal, type 1A. Also called: ARTHROGRYPOSIS MULTIPLEX CONGENITA, DISTAL, TYPE I. Identifiers: Orphanet 1146, MedGen C6022280, MONDO:0007157, OMIM 108120.
Congenital myopathy 23 (CMYO23). Also called: NEMALINE MYOPATHY 4; CAP MYOPATHY 2; Nemaline myopathy 4, autosomal dominant. Identifiers: MedGen C1836447, MONDO:0012240, OMIM 609285.

Submissions (2):

Labcorp Genetics (formerly Invitae), Labcorp
Classification: Uncertain significance for Arthrogryposis, distal, type 1A. Last evaluated: 2021-05-08. Review status: criteria provided, single submitter. Criteria: Invitae Variant Classification Sherloc (09022015). Collection method: clinical testing. Allele origin: germline.
Comment: In summary, the available evidence is currently insufficient to determine the role of this variant in disease. Therefore, it has been classified as a Variant of Uncertain Significance. Algorithms developed to predict the effect of missense changes on protein structure and function are either unavailable or do not agree on the potential impact of this missense change (SIFT: "Tolerated"; PolyPhen-2: "Probably Damaging"; Align-GVGD: "Class C0"). This variant has been observed in individual(s) with congenital fiber type disproportion (PMID: 22832343). In at least one individual the variant was observed to be de novo. ClinVar contains an entry for this variant (Variation ID: 224658). This variant is not present in population databases (ExAC no frequency). This sequence change replaces serine with proline at codon 61 of the TPM2 protein (p.Ser61Pro). The serine residue is moderately conserved and there is a moderate physicochemical difference between serine and proline.

Center for Genetic Medicine Research, Children's National Medical Center
Classification: Likely pathogenic for Congenital myopathy 23. Last evaluated: 2015-12-01. Review status: criteria provided, single submitter. Criteria: Punetha et al. (J Neuromuscul Dis. 2016). Collection method: research. Allele origin: unknown. Affected: yes.

Literature cited by the submitters: PubMed 22832343 (cited by Labcorp Genetics (formerly Invitae), Labcorp).

NM_003289.4(TPM2):c.181T>C (p.Ser61Pro)

Gene: TPM2 (tropomyosin 2; minus strand). Cytogenetic location: 9p13.3.
Variant type: single nucleotide variant.
Coding change: c.181T>C on transcript NM_003289.4 (MANE Select); coding-DNA position 181, T replaced by C.
Protein change: p.Ser61Pro; replaces serine 61 with proline.
Molecular consequence: missense variant.
Genome position (GRCh38, 1-based): chr9:35,689,205, A>G on the plus strand (T>C on the coding strand, the complement: TPM2 is on the minus strand). VCF-style: chr9-35689205-A-G. GRCh37 (hg19) VCF-style: chr9-35689202-A-G.
Other names: c.181T>C, p.Ser61Pro (NM_001301226.2, NM_001301227.2, NM_213674.1); short protein forms S61P.
Identifiers: ClinVar variation 224658 (VCV000224658.8), dbSNP rs878854363, ClinGen allele CA10575977.